The following is an entry in ClinVar:

ClinVar aggregate classification (germline): Pathogenic (1 of 4 stars; one submission).

Conditions:
Polycystic kidney disease, adult type (PKD1). Also called: Polycystic Kidney, Autosomal Dominant; POLYCYSTIC KIDNEY DISEASE 1 WITH OR WITHOUT POLYCYSTIC LIVER DISEASE; Polycystic Kidney Disease 1, Autosomal Dominant; Polycystic kidney disease 1; Polycystic kidney disease 1, severe; POLYCYSTIC KIDNEY DISEASE, ADULT, TYPE I. Identifiers: MedGen C3149841, MONDO:0008263, OMIM 173900.

Submission:

MVZ Medizinische Genetik Mainz
Classification: Pathogenic for Polycystic kidney disease, adult type. Last evaluated: 2022-04-27. Review status: criteria provided, single submitter. Criteria: UK Practice Guidelines For Variant Classification V4 01 2020. Collection method: clinical testing. Allele origin: germline. Inheritance: Autosomal dominant inheritance. Affected: yes. Observed: 1 variant allele.
Comment: ACMG Criteria: PVS1, PM2_SUP, PP4 (ACMG Version 3)

NM_001009944.3(PKD1):c.2966_2970del (p.Ala989fs)

Gene: PKD1 (polycystin 1, transient receptor potential channel interacting; minus strand). Cytogenetic location: 16p13.3.
Variant type: Deletion.
Coding change: c.2966_2970del on transcript NM_001009944.3 (MANE Select); coding-DNA positions 2966 to 2970, 5 bases deleted (CGGCG; older notation c.2966_2970delCGGCG).
Protein change: p.Ala989fs; shifts the reading frame from alanine 989.
Molecular consequence: frameshift variant.
Genome position (GRCh38, 1-based): chr16:2,113,176-2,113,180, CGCCG deleted on the plus strand (CGGCG on the coding strand, the reverse complement: PKD1 is on the minus strand); deleting any 5 consecutive bases within chr16:2,113,176-2,113,183 gives the same sequence; the c. name uses the placement nearest the transcript's 3' end. VCF-style (leftmost placement, unchanged base first): chr16-2113175-CCGCCG-C. GRCh37 (hg19) VCF-style: chr16-2163176-CCGCCG-C.
Other names: c.2966_2970del, p.Ala989fs (NM_000296.4); short protein forms A989fs.
Identifiers: ClinVar variation 3066344 (VCV003066344.1), dbSNP rs2544844747, ClinGen allele CA913185964.
Genomic context (GRCh38, chr16:2,113,175, plus strand): 5'-CCCTGCCCCGCCCCATCCCCTCCCCTCCCCACCCCCGCCCACCTACTGAGAGCTTGAAGA[CCGCCG>C]CGCTCTGATAAATGACATTGAAGACCACGTTCTGGAAGGTCAGGGACTGCTTGTCGTTGA-3'